The following is an entry in ClinVar:

NC_000012.12:g.121626839C>G

Genes: ORAI1 (ORAI calcium release-activated calcium modulator 1; plus strand), LOC130008987 (ATAC-STARR-seq lymphoblastoid silent region 4981; plus strand). Cytogenetic location: 12q24.31.
Variant type: single nucleotide variant.
Genome position: GRCh38 VCF-style: chr12-121626839-C-G. GRCh37 (hg19) VCF-style: chr12-122064744-C-G.
Other names: c.97C>G, p.Arg33Gly (NM_032790.4); short protein forms R33G.
Identifiers: ClinVar variation 1398082 (VCV001398082.6), dbSNP rs1892787893, ClinGen allele CA386980513.

ClinVar aggregate classification (germline): Uncertain significance (1 of 4 stars; one submission).

Conditions:
Myopathy, tubular aggregate, 2 (TAM2). Identifiers: MedGen C4014557, MONDO:0014383, OMIM 615883.
Combined immunodeficiency due to ORAI1 deficiency. Also called: IMMUNODEFICIENCY 9. Identifiers: Orphanet 169090, Orphanet 317428, MedGen C2748568, MONDO:0013007, OMIM 612782.

Submission:

Labcorp Genetics (formerly Invitae), Labcorp
Classification: Uncertain significance for Myopathy, tubular aggregate, 2; Combined immunodeficiency due to ORAI1 deficiency. Last evaluated: 2021-07-31. Review status: criteria provided, single submitter. Criteria: Invitae Variant Classification Sherloc (09022015). Collection method: clinical testing. Allele origin: germline.
Comment: This sequence change replaces arginine with glycine at codon 33 of the ORAI1 protein (p.Arg33Gly). The arginine residue is weakly conserved and there is a moderate physicochemical difference between arginine and glycine. The frequency data for this variant in the population databases is considered unreliable, as metrics indicate insufficient coverage at this position in the ExAC database. This variant has not been reported in the literature in individuals affected with ORAI1-related conditions. Experimental studies and prediction algorithms are not available or were not evaluated, and the functional significance of this variant is currently unknown. In summary, the available evidence is currently insufficient to determine the role of this variant in disease. Therefore, it has been classified as a Variant of Uncertain Significance.